The following is an entry in ClinVar:

NM_002529.4(NTRK1):c.516dup (p.Gln173fs)

Gene: NTRK1 (neurotrophic receptor tyrosine kinase 1; plus strand). Cytogenetic location: 1q23.1.
Variant type: Duplication.
Coding change: c.516dup on transcript NM_002529.4 (MANE Select); coding-DNA position 516, one base duplicated (A; older notation c.516dupA).
Protein change: p.Gln173fs; shifts the reading frame from glutamine 173.
Molecular consequence: frameshift variant.
Genome position (GRCh38, 1-based): chr1:156,868,191, A duplicated; the last of 2 consecutive A bases (chr1:156,868,190-156,868,191); duplicating either gives the same sequence. VCF-style (leftmost placement, unchanged base first): chr1-156868189-G-GA. GRCh37 (hg19) VCF-style: chr1-156837981-G-GA.
Other names: c.516dupA (NM_001012331.1); c.426dup, p.Gln143fs (NM_001007792.1); c.516dup, p.Gln173fs (NM_001012331.2); short protein forms Q143fs, Q173fs.
Identifiers: ClinVar variation 4814520 (VCV004814520.1).

ClinVar aggregate classification (germline): Likely pathogenic (1 of 4 stars; one submission).

Conditions:
Hereditary insensitivity to pain with anhidrosis (CIPA). Also called: INSENSITIVITY TO PAIN, CONGENITAL, WITH ANHIDROSIS; hereditary sensory and autonomic neuropathy type 4; FAMILIAL DYSAUTONOMIA, TYPE II; NEUROPATHY, CONGENITAL SENSORY, WITH ANHIDROSIS; NTRK1 Congenital Insensitivity to Pain with Anhidrosis; HSAN Type IV. Identifiers: Orphanet 642, MedGen C0020074, MONDO:0009746, OMIM 256800.

Submission:

Natera, Inc.
Classification: Likely pathogenic for Hereditary insensitivity to pain with anhidrosis. Last evaluated: 2024-09-16. Review status: criteria provided, single submitter. Criteria: Natera Variant Classification Schema (03/2026). Collection method: clinical testing. Allele origin: germline.
Comment: The c.516dupA variant in NTRK1 is a frameshift variant predicted to shift the reading frame beginning at codon 173 and leads to a stop codon 85 codons downstream. This variant is expected to result in nonsense mediated decay, truncation, or a dysfunctional protein product. This variant is rare in the general population with a frequency below the threshold expected for the associated phenotype(s). Given the available evidence, this variant is classified as Likely Pathogenic.